The following is an entry in ClinVar:

ClinVar aggregate classification (germline): Uncertain significance. Review status: criteria provided, multiple submitters, no conflicts (2 of 4 stars). 4 submissions from 4 submitters: Uncertain significance (4). Last evaluated 2023-12-06.

Conditions:
Inborn genetic diseases. Identifiers: MedGen C0950123, MeSH D030342.
Combined immunodeficiency due to DOCK8 deficiency (HIES2). Also called: HIES autosomal recessive; HYPER-IgE SYNDROME 2, AUTOSOMAL RECESSIVE, WITH RECURRENT INFECTIONS; DOCK8 Deficiency; Hyper-IgE recurrent infection syndrome, autosomal recessive; HYPER-IgE RECURRENT INFECTION SYNDROME 2, AUTOSOMAL RECESSIVE. Identifiers: Orphanet 217390, MedGen C4722305, MONDO:0009478, OMIM 243700.

Allele frequency attached by ClinVar (database versions not stated): gnomAD 0.00003 and 0.00002; TOPMed 0.00003; gnomAD exomes 0.00002; ExAC 0.00003.
gnomAD v4.1: 30 of 1,614,068 alleles (0.0019%); highest among the groups gnomAD compares: South Asian, 0.0044%; no homozygotes.

Submissions (4):

Ambry Genetics
Classification: Uncertain significance for Inborn genetic diseases. Last evaluated: 2023-12-06. Review status: criteria provided, single submitter. Criteria: Ambry Variant Classification Scheme 2023. Collection method: clinical testing. Allele origin: germline.

Labcorp Genetics (formerly Invitae), Labcorp
Classification: Uncertain significance for Combined immunodeficiency due to DOCK8 deficiency. Last evaluated: 2022-06-13. Review status: criteria provided, single submitter. Criteria: Invitae Variant Classification Sherloc (09022015). Collection method: clinical testing. Allele origin: germline.
Comment: This sequence change replaces arginine, which is basic and polar, with histidine, which is basic and polar, at codon 1370 of the DOCK8 protein (p.Arg1370His). This variant is present in population databases (rs753480025, gnomAD 0.005%). This variant has not been reported in the literature in individuals affected with DOCK8-related conditions. ClinVar contains an entry for this variant (Variation ID: 840574). Algorithms developed to predict the effect of missense changes on protein structure and function (SIFT, PolyPhen-2, Align-GVGD) all suggest that this variant is likely to be tolerated. In summary, the available evidence is currently insufficient to determine the role of this variant in disease. Therefore, it has been classified as a Variant of Uncertain Significance.

Laboratory for Molecular Medicine, Mass General Brigham Personalized Medicine
Classification: Uncertain significance. Last evaluated: 2019-10-18. Review status: criteria provided, single submitter. Criteria: LMM Criteria. Collection method: clinical testing. Allele origin: germline. Observed: 1 variant allele.
Comment: The p.Arg1370His variant in DOCK8 has not been previously reported in individuals with hyper-IgE syndrome but has been identified in 7/282848 chromosomes by gnomAD. One mammal (bush baby) carries a histidine at this position despite high nearby amino acid conservation. In addition, computational prediction tools and conservation analyses suggest that this variant may not impact the protein, though this information is not predictive enough to rule out pathogenicity. ACMG/AMP Criteria applied: PM2, BP4.

Breakthrough Genomics
Classification: Uncertain significance. Review status: criteria provided, single submitter. Criteria: ACMG Guidelines, 2015. Collection method: not provided. Allele origin: germline. Inheritance: Autosomal recessive inheritance. Affected: yes.

NM_203447.4(DOCK8):c.4109G>A (p.Arg1370His)

Gene: DOCK8 (dedicator of cytokinesis 8; plus strand). Cytogenetic location: 9p24.3.
Variant type: single nucleotide variant.
Coding change: c.4109G>A on transcript NM_203447.4 (MANE Select); coding-DNA position 4109, G replaced by A.
Protein change: p.Arg1370His; replaces arginine 1370 with histidine.
Molecular consequence: missense variant.
Genome position (GRCh38, 1-based): chr9:421,034, G>A. VCF-style: chr9-421034-G-A. GRCh37 (hg19) VCF-style: chr9-421034-G-A.
Other names: c.3809G>A, p.Arg1270His (NM_001190458.2); c.3905G>A, p.Arg1302His (NM_001193536.2); short protein forms R1370H, R1270H, R1302H.
Identifiers: ClinVar variation 840574 (VCV000840574.13), dbSNP rs753480025, ClinGen allele CA4958931.